The following is an entry in ClinVar:

NM_000043.6(FAS):c.362G>A (p.Arg121Gln)

Gene: FAS (Fas cell surface death receptor; plus strand). Cytogenetic location: 10q23.31.
Variant type: single nucleotide variant.
Coding change: c.362G>A on transcript NM_000043.6 (MANE Select); coding-DNA position 362, G replaced by A.
Protein change: p.Arg121Gln; replaces arginine 121 with glutamine.
Molecular consequence: missense variant. On other transcripts: non-coding transcript variant (1).
Genome position (GRCh38, 1-based): chr10:89,008,916, G>A. VCF-style: chr10-89008916-G-A. GRCh37 (hg19) VCF-style: chr10-90768673-G-A.
Other names: c.362G>A, p.Arg121Gln (NM_001320619.2, NM_152871.4, NM_152872.4); c.407G>A, p.Arg136Gln (NM_001410956.1); short protein forms R136Q, R121Q.
Identifiers: ClinVar variation 3513099 (VCV003513099.2).
Genomic context (GRCh38, chr10:89,008,916, plus strand): 5'-CTATAACTAATAGTTTCCAAACTGATTTTCTAGGCTTAGAAGTGGAAATAAACTGCACCC[G>A]GACCCAGAATACCAAGTGCAGATGTAAACCAAACTTTTTTTGTAACTCTACTGTATGTGA-3'
Protein context (NP_000034.1, residues 111-131): HGLEVEINCT[Arg121Gln]TQNTKCRCKP

ClinVar aggregate classification (germline): Uncertain significance. Review status: criteria provided, multiple submitters, no conflicts (2 of 4 stars). 2 submissions from 2 submitters: Uncertain significance (2). Last evaluated 2025-12-27.

Conditions:
Autoimmune lymphoproliferative syndrome type 1. Also called: AUTOIMMUNE LYMPHOPROLIFERATIVE SYNDROME, TYPE I, AUTOSOMAL DOMINANT. Identifiers: Orphanet 3261, MedGen C2717884, MONDO:0011158, OMIM 601859.
Inborn genetic diseases. Identifiers: MedGen C0950123, MeSH D030342.

gnomAD v4.1: 9 of 1,613,830 alleles (0.00056%); highest among the groups gnomAD compares: East Asian, 0.0022%; no homozygotes.

Submissions (2):

Labcorp Genetics (formerly Invitae), Labcorp
Classification: Uncertain significance for Autoimmune lymphoproliferative syndrome. Last evaluated: 2025-12-27. Review status: criteria provided, single submitter. Criteria: Invitae Variant Classification Sherloc (09022015). Collection method: clinical testing. Allele origin: germline.
Comment: This sequence change replaces arginine, which is basic and polar, with glutamine, which is neutral and polar, at codon 121 of the FAS protein (p.Arg121Gln). This variant is present in population databases (no rsID available, gnomAD 0.007%). This variant has not been reported in the literature in individuals affected with FAS-related conditions. ClinVar contains an entry for this variant (Variation ID: 3513099). An algorithm developed to predict the effect of missense changes on protein structure and function outputs the following: PolyPhen-2: "Benign". The glutamine amino acid residue is found in multiple mammalian species, which suggests that this missense change does not adversely affect protein function. Algorithms developed to predict the effect of sequence changes on RNA splicing suggest that this variant may disrupt the consensus splice site. In summary, the available evidence is currently insufficient to determine the role of this variant in disease. Therefore, it has been classified as a Variant of Uncertain Significance.

Ambry Genetics
Classification: Uncertain significance for Inborn genetic diseases. Last evaluated: 2024-11-10. Review status: criteria provided, single submitter. Criteria: Ambry Variant Classification Scheme 2023. Collection method: clinical testing. Allele origin: germline.